The following is an entry in ClinVar:

NC_000009.11:g.(36249395_36276890)_(36276976_?)dup

Gene: GNE (glucosamine (UDP-N-acetyl)-2-epimerase/N-acetylmannosamine kinase; minus strand). Cytogenetic location: 9p13.3.
Variant type: Duplication.
Identifiers: ClinVar variation 3384702 (VCV003384702.1).

ClinVar aggregate classification (germline): Likely benign (1 of 4 stars; one submission).

Submission:

Women's Health and Genetics/Laboratory Corporation of America, LabCorp
Classification: Likely benign. Last evaluated: 2024-10-11. Review status: criteria provided, single submitter. Criteria: LabCorp Variant Classification Summary - May 2015. Collection method: clinical testing. Allele origin: germline.
Comment: Variant summary: The variant involves the duplication of exon 1 in the GNE gene. A presumed nomenclature of c.(?_-35)_(51+1_52-1)dup has been designated for the purposes of this classification. It is assumed to be a tandem duplication in direct orientation (PMIDs: 25640679, 30054569). The exact breakpoint at the 5' end of this variant is unknown, therefore this duplication may extend upstream of the annotated region of this gene. It is predicted to duplicate a segment including the initiation codon, therefore its impact on the encoded protein is unknown. A variant involving the duplication of exon 1 together with a large DNA segment (~2.5 kb) upstream of the gene was found at a frequency of 0.00083 in 123608 control chromosomes, predominantly at a frequency of 0.0015 within the Non-Finnish European subpopulation in the gnomAD database (Structural Variants v4.1 dataset). The observed variant frequency within Non-Finnish European control individuals in the gnomAD database is approximately 1.3-fold of the estimated maximal expected allele frequency for a pathogenic variant in GNE causing Inclusion Body Myopathy 2 phenotype (0.0011). To our knowledge, no occurrence of c.(?_-35)_(51+1_52-1)dup in individuals affected with Inclusion Body Myopathy 2 and no experimental evidence demonstrating its impact on protein function have been reported. ClinVar contains entries for similar variants (Variation IDs: 830383; 1879748). Based on the evidence outlined above, similar exon 1 duplication variants which cover a large DNA segment (~2.5 kb) upstream of the gene, were classified as likely benign.